The following is an entry in ClinVar:

NM_000448.3(RAG1):c.*1178G>A

Gene: RAG1 (recombination activating 1; plus strand). Cytogenetic location: 11p12.
Variant type: single nucleotide variant.
Coding change: c.*1178G>A on transcript NM_000448.3 (MANE Select); 1178 bases downstream of the stop codon, G replaced by A.
Molecular consequence: 3 prime UTR variant.
Genome position (GRCh38, 1-based): chr11:36,577,614, G>A. VCF-style: chr11-36577614-G-A. GRCh37 (hg19) VCF-style: chr11-36599164-G-A.
Other names: c.*1178G>A (NM_001377277.1, NM_001377278.1, NM_001377279.1 and 1 more transcripts).
Identifiers: ClinVar variation 878739 (VCV000878739.4), dbSNP rs149724031, ClinGen allele CA220566172.

ClinVar aggregate classification (germline): Benign. Review status: criteria provided, single submitter (1 of 4 stars). 2 submissions from 1 submitter: Benign (2). Last evaluated 2017-04-27.

Conditions:
Severe combined immunodeficiency, autosomal recessive, T cell-negative, B cell-negative, NK cell-positive. Also called: Severe combined immunodeficiency due to complete RAG1/2 deficiency; SCID, AR, T-cell negative, B-cell negative, NK cell-positive; SCID, T CELL-NEGATIVE, B CELL-NEGATIVE, NK CELL-POSITIVE. Identifiers: Orphanet 331206, MedGen C1832322, MONDO:0011086, OMIM 601457.
Histiocytic medullary reticulosis. Also called: Omenn syndrome; SEVERE COMBINED IMMUNODEFICIENCY WITH HYPEREOSINOPHILIA. Identifiers: Orphanet 39041, MedGen C2700553, MONDO:0011338, OMIM 603554.

Allele frequency attached by ClinVar (database versions not stated): TOPMed 0.00009; gnomAD 0.00013 and 0.00022; 1000 Genomes Project 0.00120; 1000 Genomes Project 30x 0.00141.

Submissions (2):

Illumina Laboratory Services, Illumina
Classification: Benign for Histiocytic medullary reticulosis. Last evaluated: 2017-04-27. Review status: criteria provided, single submitter. Criteria: ICSL Variant Classification Criteria 13 December 2019. Collection method: clinical testing. Allele origin: germline.
Comment: This variant was observed as part of a predisposition screen in an ostensibly healthy population. A literature search was performed for the gene, cDNA change, and amino acid change (where applicable). No publications were found based on this search. Allele frequency data from public databases was too high to be consistent with this variant causing disease. Therefore, this variant is classified as benign.

Illumina Laboratory Services, Illumina
Classification: Benign for Severe combined immunodeficiency, autosomal recessive, T cell-negative, B cell-negative, NK cell-positive. Last evaluated: 2017-04-27. Review status: criteria provided, single submitter. Criteria: ICSL Variant Classification Criteria 13 December 2019. Collection method: clinical testing. Allele origin: germline.
Comment: the same text as in the submission from Illumina Laboratory Services, Illumina above.